The following is an entry in ClinVar:

ClinVar aggregate classification (germline): Uncertain significance (1 of 4 stars; one submission).

Submission:

Labcorp Genetics (formerly Invitae), Labcorp
Classification: Uncertain significance. Last evaluated: 2024-12-24. Review status: criteria provided, single submitter. Criteria: Invitae Variant Classification Sherloc (09022015). Collection method: clinical testing. Allele origin: germline.
Comment: This sequence change replaces proline, which is neutral and non-polar, with arginine, which is basic and polar, at codon 384 of the DNA2 protein (p.Pro384Arg). This variant is not present in population databases (gnomAD no frequency). This variant has not been reported in the literature in individuals affected with DNA2-related conditions. Invitae Evidence Modeling of protein sequence and biophysical properties (such as structural, functional, and spatial information, amino acid conservation, physicochemical variation, residue mobility, and thermodynamic stability) indicates that this missense variant is expected to disrupt DNA2 protein function with a positive predictive value of 80%. In summary, the available evidence is currently insufficient to determine the role of this variant in disease. Therefore, it has been classified as a Variant of Uncertain Significance.

NM_001080449.3(DNA2):c.1151C>G (p.Pro384Arg)

Gene: DNA2 (DNA replication helicase/nuclease 2; minus strand). Cytogenetic location: 10q21.3.
Variant type: single nucleotide variant.
Coding change: c.1151C>G on transcript NM_001080449.3 (MANE Select); coding-DNA position 1151, C replaced by G.
Protein change: p.Pro384Arg; replaces proline 384 with arginine.
Molecular consequence: missense variant. On other transcripts: non-coding transcript variant (1).
Genome position (GRCh38, 1-based): chr10:68,444,990, G>C on the plus strand (C>G on the coding strand, the complement: DNA2 is on the minus strand). VCF-style: chr10-68444990-G-C. GRCh37 (hg19) VCF-style: chr10-70204747-G-C.
Other names: short protein forms P384R.
Identifiers: ClinVar variation 3666688 (VCV003666688.2).